The following is an entry in ClinVar:

ClinVar aggregate classification (germline): Likely benign. Review status: criteria provided, multiple submitters, no conflicts (2 of 4 stars). 2 submissions from 2 submitters: Likely benign (2). Last evaluated 2024-10-07.

Conditions:
NKAP-related disorder. Also called: NKAP-related condition.
Inborn genetic diseases. Identifiers: MedGen C0950123, MeSH D030342.

Allele frequency attached by ClinVar (database versions not stated): ExAC 0.00007; ESP Exome Variant Server 0.00009; gnomAD 0.00011; TOPMed 0.00012; gnomAD exomes 0.00014; 1000 Genomes Project 30x 0.00021; 1000 Genomes Project 0.00026.
gnomAD v4.1: 167 of 1,207,637 alleles (0.014%); highest among the groups gnomAD compares: Admixed American, 0.02%; no homozygotes.

Submissions (2):

PreventionGenetics, part of Exact Sciences
Classification: Likely benign for NKAP-related condition. Last evaluated: 2024-10-07. Review status: criteria provided, single submitter. Criteria: ACMG Guidelines, 2015. Collection method: clinical testing. Allele origin: germline.
Comment: This variant is classified as likely benign based on ACMG/AMP sequence variant interpretation guidelines (Richards et al. 2015 PMID: 25741868, with internal and published modifications).

Ambry Genetics
Classification: Likely benign for Inborn genetic diseases. Last evaluated: 2021-09-01. Review status: criteria provided, single submitter. Criteria: Ambry Variant Classification Scheme 2023. Collection method: clinical testing. Allele origin: germline.

NM_024528.4(NKAP):c.794G>A (p.Ser265Asn)

Gene: NKAP (NFKB activating protein; minus strand). Cytogenetic location: Xq24.
Variant type: single nucleotide variant.
Coding change: c.794G>A on transcript NM_024528.4 (MANE Select); coding-DNA position 794, G replaced by A.
Protein change: p.Ser265Asn; replaces serine 265 with asparagine.
Molecular consequence: missense variant.
Genome position (GRCh38, 1-based): chrX:119,932,160, C>T on the plus strand (G>A on the coding strand, the complement: NKAP is on the minus strand). VCF-style: chrX-119932160-C-T. GRCh37 (hg19) VCF-style: chrX-119066123-C-T.
Other names: short protein forms S265N.
Identifiers: ClinVar variation 2352503 (VCV002352503.3), dbSNP rs182030723, ClinGen allele CA10503751.